The following is an entry in ClinVar:

ClinVar aggregate classification (germline): Uncertain significance (1 of 4 stars; one submission).

gnomAD v4.1: 1 of 1,200,196 alleles (0.000083%); highest among the groups gnomAD compares: Non-Finnish European, 0.00011%; no homozygotes.

Submission:

Labcorp Genetics (formerly Invitae), Labcorp
Classification: Uncertain significance. Last evaluated: 2025-07-13. Review status: criteria provided, single submitter. Criteria: Invitae Variant Classification Sherloc (09022015). Collection method: clinical testing. Allele origin: germline.
Comment: This sequence change replaces lysine, which is basic and polar, with arginine, which is basic and polar, at codon 1656 of the CACNA1F protein (p.Lys1656Arg). This variant is not present in population databases (gnomAD no frequency). This variant has not been reported in the literature in individuals affected with CACNA1F-related conditions. An algorithm developed to predict the effect of missense changes on protein structure and function (PolyPhen-2) suggests that this variant is likely to be tolerated. In summary, the available evidence is currently insufficient to determine the role of this variant in disease. Therefore, it has been classified as a Variant of Uncertain Significance.

NM_001256789.3(CACNA1F):c.4934A>G (p.Lys1645Arg)

Genes: CACNA1F (calcium voltage-gated channel subunit alpha1 F; minus strand), LOC126863257 (BRD4-independent group 4 enhancer GRCh37_chrX:49065732-49066931; plus strand). Cytogenetic location: Xp11.23.
Variant type: single nucleotide variant.
Coding change: c.4934A>G on transcript NM_001256789.3 (MANE Select); coding-DNA position 4934, A replaced by G.
Protein change: p.Lys1645Arg; replaces lysine 1645 with arginine.
Molecular consequence: missense variant.
Genome position (GRCh38, 1-based): chrX:49,209,281, T>C on the plus strand (A>G on the coding strand, the complement: CACNA1F is on the minus strand). VCF-style: chrX-49209281-T-C. GRCh37 (hg19) VCF-style: chrX-49065741-T-C.
Other names: c.4772A>G, p.Lys1591Arg (NM_001256790.3); c.4967A>G, p.Lys1656Arg (NM_005183.4); short protein forms K1656R, K1591R, K1645R.
Identifiers: ClinVar variation 4710606 (VCV004710606.1).